The following is an entry in ClinVar:

NM_001458.5(FLNC):c.1814-13C>A

Gene: FLNC (filamin C; plus strand). Cytogenetic location: 7q32.1.
Variant type: single nucleotide variant.
Coding change: c.1814-13C>A on transcript NM_001458.5 (MANE Select); 13 bases into the intron before coding-DNA position 1814, C replaced by A.
Molecular consequence: intron variant.
Genome position (GRCh38, 1-based): chr7:128,841,157, C>A. VCF-style: chr7-128841157-C-A. GRCh37 (hg19) VCF-style: chr7-128481211-C-A.
Other names: c.1814-13C>A (NM_001127487.2).
Identifiers: ClinVar variation 508271 (VCV000508271.9), dbSNP rs766268709, ClinGen allele CA4474504.

ClinVar aggregate classification (germline): Likely benign. Review status: criteria provided, multiple submitters, no conflicts (2 of 4 stars). 2 submissions from 2 submitters: Likely benign (2). Last evaluated 2025-12-08.

Conditions:
Myofibrillar myopathy 5. Also called: Filaminopathy (type); FILAMINOPATHY, AUTOSOMAL DOMINANT. Identifiers: Orphanet 171445, MedGen C1836050, MONDO:0012289, OMIM 609524.
Distal myopathy with posterior leg and anterior hand involvement. Also called: WILLIAMS DISTAL MYOPATHY. Identifiers: Orphanet 63273, MedGen C3279722, MONDO:0013550, OMIM 614065.
Hypertrophic cardiomyopathy 26. Also called: Cardiomyopathy, familial hypertrophic, 26. Identifiers: Orphanet 75249, MedGen C4310749, MONDO:0014883, OMIM 617047.

Allele frequency attached by ClinVar (database versions not stated): gnomAD 0.00007 and 0.00009; TOPMed 0.00008.
gnomAD v4.1: 28 of 1,613,086 alleles (0.0017%); highest among the groups gnomAD compares: African/African-American, 0.028%; no homozygotes.

Submissions (2):

Labcorp Genetics (formerly Invitae), Labcorp
Classification: Likely benign for Distal myopathy with posterior leg and anterior hand involvement; Myofibrillar myopathy 5; Hypertrophic cardiomyopathy 26. Last evaluated: 2025-12-08. Review status: criteria provided, single submitter. Criteria: Invitae Variant Classification Sherloc (09022015). Collection method: clinical testing. Allele origin: germline.

GeneDx
Classification: Likely benign. Last evaluated: 2017-03-23. Review status: criteria provided, single submitter. Criteria: GeneDx Variant Classification (06012015). Collection method: clinical testing. Allele origin: germline. Affected: yes.
Comment: This variant is considered likely benign or benign based on one or more of the following criteria: it is a conservative change, it occurs at a poorly conserved position in the protein, it is predicted to be benign by multiple in silico algorithms, and/or has population frequency not consistent with disease.